The following is an entry in ClinVar:

ClinVar aggregate classification (germline): Uncertain significance (1 of 4 stars; one submission).

gnomAD v4.1: 2 of 1,613,998 alleles (0.00012%); highest among the groups gnomAD compares: Non-Finnish European, 0.00017%; no homozygotes.

Submission:

GeneDx
Classification: Uncertain significance. Last evaluated: 2026-01-31. Review status: criteria provided, single submitter. Criteria: GeneDx Variant Classification Process June 2021. Collection method: clinical testing. Allele origin: germline.
Comment: Not observed at significant frequency in large population cohorts (gnomAD); In silico analysis suggests that this missense variant does not alter protein structure/function; Has not been previously published as pathogenic or benign to our knowledge

NM_001282534.2(KCNK9):c.994T>C (p.Tyr332His)

Gene: KCNK9 (potassium two pore domain channel subfamily K member 9; minus strand). Cytogenetic location: 8q24.3.
Variant type: single nucleotide variant.
Coding change: c.994T>C on transcript NM_001282534.2 (MANE Select); coding-DNA position 994, T replaced by C.
Protein change: p.Tyr332His; replaces tyrosine 332 with histidine.
Molecular consequence: missense variant. On other transcripts: non-coding transcript variant (1).
Genome position (GRCh38, 1-based): chr8:139,618,389, A>G on the plus strand (T>C on the coding strand, the complement: KCNK9 is on the minus strand). VCF-style: chr8-139618389-A-G. GRCh37 (hg19) VCF-style: chr8-140630632-A-G.
Other names: short protein forms Y332H.
Identifiers: ClinVar variation 4975754 (VCV004975754.1).